The following is an entry in ClinVar:

NM_001035.3(RYR2):c.11497G>A (p.Asp3833Asn)

Gene: RYR2 (ryanodine receptor 2; plus strand). Cytogenetic location: 1q43.
Variant type: single nucleotide variant.
Coding change: c.11497G>A on transcript NM_001035.3 (MANE Select); coding-DNA position 11497, G replaced by A.
Protein change: p.Asp3833Asn; replaces aspartic acid 3833 with asparagine.
Molecular consequence: missense variant.
Genome position (GRCh38, 1-based): chr1:237,770,827, G>A. VCF-style: chr1-237770827-G-A. GRCh37 (hg19) VCF-style: chr1-237934127-G-A.
Other names: p.D3833N:GAT>AAT; c.11497G>A, p.Asp3833Asn (LRG_402t1); short protein forms D3833N.
Identifiers: ClinVar variation 201312 (VCV000201312.41), dbSNP rs768711283, ClinGen allele CA007059.

ClinVar aggregate classification (germline): Uncertain significance. Review status: criteria provided, multiple submitters, no conflicts (2 of 4 stars). 9 submissions from 8 submitters: Uncertain significance (9). Last evaluated 2026-04-20.

Conditions:
Cardiovascular phenotype. Identifiers: MedGen CN230736.
Catecholaminergic polymorphic ventricular tachycardia (CVPT). Also called: Catecholamine-induced polymorphic ventricular tachycardia. Identifiers: Orphanet 3286, MedGen C5574922, MONDO:0017990.
Cardiomyopathy (CMYO). Also called: Cardiomyopathies. Identifiers: Orphanet 167848, MedGen C0878544, MONDO:0004994, HP:0001638. Inheritance: Various modes of inheritance.
Catecholaminergic polymorphic ventricular tachycardia 1. Also called: VENTRICULAR TACHYCARDIA, CATECHOLAMINERGIC POLYMORPHIC, 1, WITH OR WITHOUT ATRIAL DYSFUNCTION AND/OR DILATED CARDIOMYOPATHY; VENTRICULAR TACHYCARDIA, STRESS-INDUCED POLYMORPHIC 1; RYR2-Related Catecholaminergic Polymorphic Ventricular Tachycardia. Identifiers: Orphanet 3286, MedGen C1631597, MONDO:0011484, OMIM 604772.
Arrhythmogenic right ventricular dysplasia 2. Identifiers: MedGen C1832931.

Allele frequency attached by ClinVar (database versions not stated): gnomAD 0.00003; TOPMed 0.00003; ExAC 0.00004; gnomAD exomes 0.00004.
gnomAD v4.1: 58 of 1,553,506 alleles (0.0037%); highest among the groups gnomAD compares: Admixed American, 0.0078%; no homozygotes.

Submissions (9):

Ambry Genetics
Classification: Uncertain significance for Cardiovascular phenotype. Last evaluated: 2026-04-20. Review status: criteria provided, single submitter. Criteria: Ambry Variant Classification Scheme 2023. Collection method: clinical testing. Allele origin: germline.
Comment: The c.11497G>A (p.D3833N) alteration is located in exon 85 (coding exon 85) of the RYR2 gene. This alteration results from a G to A substitution at nucleotide position 11497, causing the aspartic acid (D) at amino acid position 3833 to be replaced by an asparagine (N). Based on data from gnomAD, the A allele has an overall frequency of 0.005% (9/195672) total alleles studied. The highest observed frequency was 0.015% (4/26180) of Latino alleles. Based on insufficient or conflicting evidence, the clinical significance of this alteration remains unclear.

Labcorp Genetics (formerly Invitae), Labcorp
Classification: Uncertain significance for Catecholaminergic polymorphic ventricular tachycardia 1. Last evaluated: 2026-01-12. Review status: criteria provided, single submitter. Criteria: Invitae Variant Classification Sherloc (09022015). Collection method: clinical testing. Allele origin: germline.
Comment: This sequence change replaces aspartic acid, which is acidic and polar, with asparagine, which is neutral and polar, at codon 3833 of the RYR2 protein (p.Asp3833Asn). The frequency data for this variant in the population databases is considered unreliable, as metrics indicate poor data quality at this position in the gnomAD database. This missense change has been observed in individual(s) with clinical features of RYR2-related conditions (PMID: 26743238, 30615648, 32152366). ClinVar contains an entry for this variant (Variation ID: 201312). Invitae Evidence Modeling of protein sequence and biophysical properties (such as structural, functional, and spatial information, amino acid conservation, physicochemical variation, residue mobility, and thermodynamic stability) indicates that this missense variant is not expected to disrupt RYR2 protein function with a negative predictive value of 95%. In summary, the available evidence is currently insufficient to determine the role of this variant in disease. Therefore, it has been classified as a Variant of Uncertain Significance.

GeneDx
Classification: Uncertain significance. Last evaluated: 2025-12-17. Review status: criteria provided, single submitter. Criteria: GeneDx Variant Classification Process June 2021. Collection method: clinical testing. Allele origin: germline. Affected: yes.
Comment: In silico analysis supports that this missense variant has a deleterious effect on protein structure/function; Identified independently and in conjunction with additional cardiogenetic variants in individuals in published literature but segregation data are limited or absent at this time (PMID: 26743238, 30615648, 28771489); This variant is associated with the following publications: (PMID: 19926015, 30615648, 28771489, 26743238, 32152366)

All of Us Research Program, National Institutes of Health
Classification: Uncertain significance for Catecholaminergic polymorphic ventricular tachycardia. Last evaluated: 2024-06-09. Review status: criteria provided, single submitter. Criteria: ACMG Guidelines, 2015. Collection method: clinical testing. Allele origin: germline. Inheritance: Autosomal dominant inheritance. Observed: 16 variant alleles, 16 heterozygotes.
Comment: This missense variant replaces aspartic acid with asparagine at codon 3833 of the RYR2 protein. Computational prediction is inconclusive regarding the impact of this variant on protein structure and function (internally defined REVEL score threshold 0.5 < inconclusive < 0.7, PMID: 27666373). To our knowledge, functional studies have not been reported for this variant. This variant has been reported in an individual affected with hypertrophic cardiomyopathy who also carried a pathogenic variant in the MYBPC3 gene (PMID: 28771489). This variant has also been observed in an individual suspected of having inherited arrhythmia disease (PMID: 26743238) and in a stillbirth (PMID: 30615648). This variant has been identified in 9/195672 chromosomes in the general population by the Genome Aggregation Database (gnomAD). The available evidence is insufficient to determine the role of this variant in disease conclusively. Therefore, this variant is classified as a Variant of Uncertain Significance.

This study involves interpretation of variants in research participants for the purpose of population health screening. Participant phenotype was not available at the time of variant classification. Additional details can be found in publication PMID: 35346344, PMCID: PMC8962531

Color Diagnostics, LLC DBA Color Health
Classification: Uncertain significance for Cardiomyopathy. Last evaluated: 2024-05-16. Review status: criteria provided, single submitter. Criteria: ACMG Guidelines, 2015. Collection method: clinical testing. Allele origin: germline.
Comment: This missense variant replaces aspartic acid with asparagine at codon 3833 of the RYR2 protein. Computational prediction is inconclusive regarding the impact of this variant on protein structure and function (internally defined REVEL score threshold 0.5 < inconclusive < 0.7, PMID: 27666373). To our knowledge, functional studies have not been reported for this variant. This variant has been reported in an individual affected with hypertrophic cardiomyopathy who also carried a pathogenic variant in the MYBPC3 gene (PMID: 28771489). This variant has also been observed in an individual suspected of having inherited arrhythmia disease (PMID: 26743238) and in a stillbirth (PMID: 30615648). This variant has been identified in 9/195672 chromosomes in the general population by the Genome Aggregation Database (gnomAD). The available evidence is insufficient to determine the role of this variant in disease conclusively. Therefore, this variant is classified as a Variant of Uncertain Significance.

Women's Health and Genetics/Laboratory Corporation of America, LabCorp
Classification: Uncertain significance. Last evaluated: 2023-03-07. Review status: criteria provided, single submitter. Criteria: LabCorp Variant Classification Summary - May 2015. Collection method: clinical testing. Allele origin: germline.
Comment: Variant summary: RYR2 c.11497G>A (p.Asp3833Asn) results in a conservative amino acid change located in the RyR/IP3R Homology associated domain (IPR013662) of the encoded protein sequence. Three of five in-silico tools predict a damaging effect of the variant on protein function. The variant allele was found at a frequency of 4.3e-05 in 164282 control chromosomes. The available data on variant occurrences in the general population are insufficient to allow any conclusion about variant significance. c.11497G>A has been reported in the literature in individuals affected with Catecholaminergic Polymorphic Ventricular Tachycardia (Adler_2016, Olubando_2020), hypertrophic cardiomyopathy (Mademont-Soler_2017), and stillbirth (Sahlin_2019) with conflicting interpretations of pathogenicity. These report(s) do not provide unequivocal conclusions about association of the variant with Catecholaminergic Polymorphic Ventricular Tachycardia. To our knowledge, no experimental evidence demonstrating an impact on protein function has been reported. Four ClinVar submitters have submitted clinical-significance assessments for this variant to ClinVar after 2014. All laboratories classified the variant as uncertain significance. Based on the evidence outlined above, the variant was classified as uncertain significance.

Blueprint Genetics
Classification: Uncertain significance. Last evaluated: 2020-02-19. Review status: criteria provided, single submitter. Criteria: ACMG Guidelines, 2015. Collection method: clinical testing. Allele origin: germline.

Illumina Laboratory Services, Illumina
Classification: Uncertain significance for Catecholaminergic polymorphic ventricular tachycardia 1. Last evaluated: 2018-01-12. Review status: criteria provided, single submitter. Criteria: ICSL Variant Classification Criteria 13 December 2019. Collection method: clinical testing. Allele origin: germline.

Illumina Laboratory Services, Illumina
Classification: Uncertain significance for Catecholaminergic polymorphic ventricular tachycardia 1. Last evaluated: 2018-01-12. Review status: criteria provided, single submitter. Criteria: ICSL Variant Classification Criteria 13 December 2019. Collection method: clinical testing. Allele origin: germline.

Literature cited by the submitters: PubMed 26743238 (cited by 4 submitters); PubMed 30615648 (cited by 4 submitters); PubMed 32152366 (cited by Labcorp Genetics (formerly Invitae), Labcorp and Women's Health and Genetics/Laboratory Corporation of America, LabCorp); PubMed 28771489 (cited by 3 submitters).